The following is an entry in ClinVar:

ClinVar aggregate classification (germline): Benign/Likely benign. Review status: criteria provided, multiple submitters, no conflicts (2 of 4 stars). 5 submissions from 5 submitters: Benign (1); Likely benign (4). Last evaluated 2026-07-01.

Allele frequency attached by ClinVar (database versions not stated): gnomAD 0.00009; 1000 Genomes Project 0.00020; TOPMed 0.00021; 1000 Genomes Project 30x 0.00031; ExAC 0.00040; gnomAD exomes 0.00054.
gnomAD v4.1: 161 of 1,614,220 alleles (0.01%); highest among the groups gnomAD compares: Admixed American, 0.27%; 1 homozygote.

Submissions (5):

CeGaT Center for Human Genetics Tuebingen
Classification: Likely benign. Last evaluated: 2026-07-01. Review status: criteria provided, single submitter. Criteria: CeGaT Center For Human Genetics Tuebingen Variant Classification Criteria Version 2. Collection method: clinical testing. Allele origin: germline. Affected: yes. Observed: 1 variant allele.
Comment: MRPL44: BP4, BP7

Labcorp Genetics (formerly Invitae), Labcorp
Classification: Benign. Last evaluated: 2026-01-13. Review status: criteria provided, single submitter. Criteria: Invitae Variant Classification Sherloc (09022015). Collection method: clinical testing. Allele origin: germline.

Blueprint Genetics
Classification: Likely benign. Last evaluated: 2024-11-04. Review status: criteria provided, single submitter. Criteria: ACMG Guidelines, 2015. Collection method: clinical testing. Allele origin: germline.

GeneDx
Classification: Likely benign. Last evaluated: 2020-03-23. Review status: criteria provided, single submitter. Criteria: GeneDx Variant Classification Process June 2021. Collection method: clinical testing. Allele origin: germline. Affected: yes.

Breakthrough Genomics
Classification: Likely benign. Review status: criteria provided, single submitter. Criteria: ACMG Guidelines, 2015. Collection method: not provided. Allele origin: germline. Inheritance: Autosomal recessive inheritance. Affected: yes.

NM_022915.5(MRPL44):c.888T>G (p.Ala296=)

Gene: MRPL44 (mitochondrial ribosomal protein L44; plus strand). Cytogenetic location: 2q36.1.
Variant type: single nucleotide variant.
Coding change: c.888T>G on transcript NM_022915.5 (MANE Select); coding-DNA position 888, T replaced by G.
Protein change: p.Ala296=; no amino-acid change (alanine 296 retained).
Molecular consequence: synonymous variant.
Genome position (GRCh38, 1-based): chr2:223,966,923, T>G. VCF-style: chr2-223966923-T-G. GRCh37 (hg19) VCF-style: chr2-224831640-T-G.
Identifiers: ClinVar variation 516495 (VCV000516495.15), dbSNP rs185877673, ClinGen allele CA2139147.